The following is an entry in ClinVar:

ClinVar aggregate classification (germline): Pathogenic (1 of 4 stars; one submission).

Submission:

Labcorp Genetics (formerly Invitae), Labcorp
Classification: Pathogenic. Last evaluated: 2025-09-28. Review status: criteria provided, single submitter. Criteria: Invitae Variant Classification Sherloc (09022015). Collection method: clinical testing. Allele origin: germline.
Comment: This sequence change creates a premature translational stop signal (p.Val379Hisfs*8) in the ACO2 gene. It is expected to result in an absent or disrupted protein product. Loss-of-function variants in ACO2 are known to be pathogenic (PMID: 30689204, 32519519). This variant is not present in population databases (gnomAD no frequency). This variant has not been reported in the literature in individuals affected with ACO2-related conditions. ClinVar contains an entry for this variant (Variation ID: 1418195). For these reasons, this variant has been classified as Pathogenic.

Literature cited by the submitters: PubMed 30689204; PubMed 32519519.

NM_001098.3(ACO2):c.1128_1134dup (p.Val379fs)

Gene: ACO2 (aconitase 2; plus strand). Cytogenetic location: 22q13.2.
Variant type: Duplication.
Coding change: c.1128_1134dup on transcript NM_001098.3 (MANE Select); coding-DNA positions 1128 to 1134, 7 bases duplicated (CATCCGA; older notation c.1128_1134dupCATCCGA).
Protein change: p.Val379fs; shifts the reading frame from valine 379.
Molecular consequence: frameshift variant.
Genome position (GRCh38, 1-based): chr22:41,520,266-41,520,272, CATCCGA duplicated; duplicating any 7 consecutive bases within chr22:41,520,264-41,520,272 gives the same sequence; the c. name uses the placement nearest the transcript's 3' end. VCF-style (leftmost placement, unchanged base first): chr22-41520263-G-GGACATCC. GRCh37 (hg19) VCF-style: chr22-41916267-G-GGACATCC.
Other names: short protein forms V379fs.
Identifiers: ClinVar variation 1418195 (VCV001418195.6), dbSNP rs2146131000, ClinGen allele CA2573158214.